The following is an entry in ClinVar:

ClinVar aggregate classification (germline): Uncertain significance (1 of 4 stars; one submission).

Conditions:
Hereditary cancer-predisposing syndrome. Also called: Neoplastic Syndromes, Hereditary; Tumor predisposition; Hereditary Cancer Syndrome; Hereditary neoplastic syndrome. Identifiers: Orphanet 140162, MedGen C0027672, MeSH D009386, MONDO:0015356.

Submission:

Color Diagnostics, LLC DBA Color Health
Classification: Uncertain significance for Hereditary cancer-predisposing syndrome. Last evaluated: 2024-09-30. Review status: criteria provided, single submitter. Criteria: ACMG Guidelines, 2015. Collection method: clinical testing. Allele origin: germline.
Comment: This missense variant replaces glutamic acid with valine at codon 1998 of the APC protein. Computational prediction suggests that this variant may not impact protein structure and function (internally defined REVEL score threshold <= 0.5, PMID: 27666373). To our knowledge, functional studies have not been reported for this variant. This variant has not been reported in individuals affected with APC-related disorders in the literature. This variant has not been identified in the general population by the Genome Aggregation Database (gnomAD). The available evidence is insufficient to determine the role of this variant in disease conclusively. Therefore, this variant is classified as a Variant of Uncertain Significance.

NM_000038.6(APC):c.5993A>T (p.Glu1998Val)

Gene: APC (APC regulator of Wnt signaling pathway; plus strand). Cytogenetic location: 5q22.2.
Variant type: single nucleotide variant.
Coding change: c.5993A>T on transcript NM_000038.6 (MANE Select); coding-DNA position 5993, A replaced by T.
Protein change: p.Glu1998Val; replaces glutamic acid 1998 with valine.
Molecular consequence: missense variant. On other transcripts: non-coding transcript variant (2).
Genome position (GRCh38, 1-based): chr5:112,841,587, A>T. VCF-style: chr5-112841587-A-T. GRCh37 (hg19) VCF-style: chr5-112177284-A-T.
Other names: c.5993A>T, p.Glu1998Val (NM_001127510.3, NM_001354895.2, NM_001407450.1); c.5939A>T, p.Glu1980Val (NM_001127511.3); c.6047A>T, p.Glu2016Val (NM_001354896.2, NM_001407447.1, NM_001407448.1 and 1 more transcripts); c.6023A>T, p.Glu2008Val (NM_001354897.2); c.5918A>T, p.Glu1973Val (NM_001354898.2); c.5909A>T, p.Glu1970Val (NM_001354899.2); c.5870A>T, p.Glu1957Val (NM_001354900.2); c.5816A>T, p.Glu1939Val (NM_001354901.2, NM_001407453.1); and 11 more; short protein forms E1614V, E1715V, E1838V, E1869V, E1872V, E1897V, E1907V, E1915V.
Identifiers: ClinVar variation 3894102 (VCV003894102.1).
Genomic context (GRCh38, chr5:112,841,587, plus strand): 5'-AAAACAACAATAAAGAAAATGAACCTATCAAAGAGACTGAGCCCCCTGACTCACAGGGAG[A>T]ACCAAGTAAACCTCAAGCATCAGGCTATGCTCCTAAATCATTTCATGTTGAAGATACCCC-3'
Protein context (NP_000029.2, residues 1988-2008): KETEPPDSQG[Glu1998Val]PSKPQASGYA